The following is an entry in ClinVar:

ClinVar aggregate classification (germline): Uncertain significance (1 of 4 stars; one submission).

Conditions:
Neurodevelopmental disorder. Identifiers: MedGen C1535926, MeSH D065886, MONDO:0700092.

Submission:

Molecular Genetics, Royal Melbourne Hospital
Classification: Uncertain significance for Neurodevelopmental disorder. Last evaluated: 2023-06-06. Review status: criteria provided, single submitter. Criteria: ACMG Guidelines, 2015. Collection method: clinical testing. Allele origin: germline. Inheritance: Autosomal dominant inheritance. Affected: yes.
Comment: This sequence change in GATAD2A is predicted to replace lysine with threonine at codon 358, p.(Lys358Thr). The lysine residue is highly conserved (99 vertebrates, UCSC), and is located in the CR2 domain (PMID: 31116477). There is a moderate physicochemical difference between lysine and threonine. This variant is absent from the population database gnomAD v2.1 and v3.1. To our knowledge, this variant is novel and has not been previously reported in the relevant scientific literature or databases. Computational evidence is uninformative for the missense substitution (REVEL = 0.5). Based on the classification scheme RMH Modified ACMG/AMP Guidelines v1.6.1, this variant is classified as a VARIANT OF UNCERTAIN SIGNIFICANCE. Following criteria are met: PM2_Supporting.

Literature cited by the submitters: PubMed 31116477.

NM_001384528.1(GATAD2A):c.1073A>C (p.Lys358Thr)

Gene: GATAD2A (GATA zinc finger domain containing 2A; plus strand). Cytogenetic location: 19p13.11.
Variant type: single nucleotide variant.
Coding change: c.1073A>C on transcript NM_001384528.1 (MANE Select); coding-DNA position 1073, A replaced by C.
Protein change: p.Lys358Thr; replaces lysine 358 with threonine.
Molecular consequence: missense variant. On other transcripts: non-coding transcript variant (1).
Genome position (GRCh38, 1-based): chr19:19,498,591, A>C. VCF-style: chr19-19498591-A-C. GRCh37 (hg19) VCF-style: chr19-19609400-A-C.
Other names: c.1073A>C, p.Lys358Thr (NM_001300946.3, NM_001359631.2, NM_001384511.1 and 26 more transcripts); c.983A>C, p.Lys328Thr (NM_001384539.1); c.644A>C, p.Lys215Thr (NM_001384540.1, NM_001384541.1); short protein forms K215T, K328T, K358T.
Identifiers: ClinVar variation 3068649 (VCV003068649.1), dbSNP rs2513697772, ClinGen allele CA404938354.